The following is an entry in ClinVar:

NM_007294.4(BRCA1):c.4387del (p.Tyr1463fs)

Gene: BRCA1 (BRCA1 DNA repair associated; minus strand). Cytogenetic location: 17q21.31.
Variant type: Deletion.
Coding change: c.4387del on transcript NM_007294.4 (MANE Select); coding-DNA position 4387, one base deleted (T; older notation c.4387delT).
Protein change: p.Tyr1463fs; shifts the reading frame from tyrosine 1463.
Molecular consequence: frameshift variant. On other transcripts: non-coding transcript variant (1).
Genome position (GRCh38, 1-based): chr17:43,076,585, A deleted on the plus strand (T on the coding strand, the reverse complement: BRCA1 is on the minus strand). VCF-style (leftmost placement, unchanged base first): chr17-43076584-TA-T. GRCh37 (hg19) VCF-style: chr17-41228601-TA-T.
Other names: 4506delT; c.1078delT, p.Tyr360Thrfs (NM_001407978.1, NM_001407973.1, NM_001407974.1 and 3 more transcripts); c.1075delT, p.Tyr359Thrfs (NM_001407979.1, NM_001407980.1, NM_001407981.1 and 12 more transcripts); c.1072delT, p.Tyr358Thrfs (NM_001408392.1, NM_001408396.1, NM_001408397.1 and 8 more transcripts); c.1069delT, p.Tyr357Thrfs (NM_001408406.1, NM_001408407.1, NM_001408408.1); c.1066delT, p.Tyr356Thrfs (NM_001408409.1); c.1003delT, p.Tyr335Thrfs (NM_001408410.1); c.1000delT, p.Tyr334Thrfs (NM_001408411.1); and 72 more; short protein forms Y1416fs, Y359fs, Y1463fs, Y1484fs.
Identifiers: ClinVar variation 37586 (VCV000037586.15), dbSNP rs397507229, ClinGen allele CA002812.
Genomic context (GRCh38, chr17:43,076,584, plus strand): 5'-CTATCTGCAGACACCTCAAACTTGTCAGCAGAAAGGCCTTCTGGATTCTGGCTTATAGGG[TA>T]TTCACTACTTTTCTGTGAAGTTAATACTGCTTTAAATGGAATGAGAAAACAAATCTACTT-3'

ClinVar aggregate classification (germline): Pathogenic. Review status: reviewed by expert panel (3 of 4 stars). 4 submissions from 4 submitters: Pathogenic (1). 3 of the submissions do not count toward it. Last evaluated 2016-09-08.

Conditions:
Hereditary cancer-predisposing syndrome. Also called: Tumor predisposition; Neoplastic Syndromes, Hereditary; Hereditary Cancer Syndrome; Hereditary neoplastic syndrome. Identifiers: Orphanet 140162, MedGen C0027672, MeSH D009386, MONDO:0015356.
Hereditary breast ovarian cancer syndrome. Also called: Hereditary breast and ovarian cancer syndrome (HBOC); Hereditary breast and ovarian cancer syndrome; Hereditary breast and ovarian cancer; Hereditary breast and/or ovarian cancer syndrome; Breast and ovarian cancer; BRCA1- and BRCA2-Associated Hereditary Breast and Ovarian Cancer. Identifiers: Orphanet 145, MedGen C0677776, MeSH D061325, MONDO:0003582. Disease mechanism: loss of function.
Breast-ovarian cancer, familial, susceptibility to, 1 (BROVCA1). Also called: OVARIAN CANCER, SUSCEPTIBILITY TO; BRCA1 Hereditary Breast and Ovarian Cancer. Identifiers: Orphanet 145, MedGen C2676676, MONDO:0011450, OMIM 604370. Disease mechanism: loss of function.

Submissions (4):

Evidence-based Network for the Interpretation of Germline Mutant Alleles (ENIGMA)
Classification: Pathogenic for Breast-ovarian cancer, familial, susceptibility to, 1. Last evaluated: 2016-09-08. Review status: reviewed by expert panel. Criteria: ENIGMA BRCA1/2 Classification Criteria (2015). Collection method: curation. Allele origin: germline.
Comment: Variant allele predicted to encode a truncated non-functional protein.

Labcorp Genetics (formerly Invitae), Labcorp
Classification: Pathogenic for Hereditary breast ovarian cancer syndrome. Last evaluated: 2019-07-08. Review status: criteria provided, single submitter. Criteria: Invitae Variant Classification Sherloc (09022015). Collection method: clinical testing. Allele origin: germline. Not counted in ClinVar's aggregate classification.
Comment: This sequence change creates a premature translational stop signal (p.Tyr1463Thrfs*3) in the BRCA1 gene. It is expected to result in an absent or disrupted protein product. This variant is not present in population databases (ExAC no frequency). This variant has been reported in an individual in the Leiden Open-source Variation Database (PMID: 21520333). ClinVar contains an entry for this variant (Variation ID: 37586). Loss-of-function variants in BRCA1 are known to be pathogenic (PMID: 20104584). For these reasons, this variant has been classified as Pathogenic.

Ambry Genetics
Classification: Pathogenic for Hereditary cancer-predisposing syndrome. Last evaluated: 2017-07-18. Review status: criteria provided, single submitter. Criteria: Ambry Variant Classification Scheme 2023. Collection method: clinical testing. Allele origin: germline. Not counted in ClinVar's aggregate classification.
Comment: The c.4387delT pathogenic mutation, located in coding exon 12 of the BRCA1 gene, results from a deletion of one nucleotide at nucleotide position 4387, causing a translational frameshift with a predicted alternate stop codon (p.Y1463Tfs*3). This alteration is expected to result in loss of function by premature protein truncation or nonsense-mediated mRNA decay. As such, this alteration is interpreted as a disease-causing mutation.

Sharing Clinical Reports Project (SCRP)
Classification: Pathogenic for Breast-ovarian cancer, familial 1. Last evaluated: 2006-05-30. Review status: no assertion criteria provided. Collection method: clinical testing. Allele origin: germline. Not counted in ClinVar's aggregate classification.

Literature cited by the submitters: PubMed 21520333 (cited by Labcorp Genetics (formerly Invitae), Labcorp); PubMed 20104584 (cited by Labcorp Genetics (formerly Invitae), Labcorp).